The following is an entry in ClinVar:

NM_000390.4(CHM):c.1244+2T>A

Gene: CHM (CHM Rab escort protein; minus strand). Cytogenetic location: Xq21.2.
Variant type: single nucleotide variant.
Coding change: c.1244+2T>A on transcript NM_000390.4 (MANE Select); the canonical splice donor site of the intron after coding-DNA position 1244, T replaced by A.
Molecular consequence: splice donor variant.
Genome position (GRCh38, 1-based): chrX:85,911,259, A>T on the plus strand (T>A on the coding strand, the complement: CHM is on the minus strand). VCF-style: chrX-85911259-A-T. GRCh37 (hg19) VCF-style: chrX-85166264-A-T.
Other names: c.800+2T>A (NM_001362519.1, NM_001362517.1, NM_001320959.1 and 1 more transcripts).
Identifiers: ClinVar variation 2119629 (VCV002119629.5), dbSNP rs1927008194, ClinGen allele CA413790218.

ClinVar aggregate classification (germline): Pathogenic/Likely pathogenic. Review status: criteria provided, multiple submitters, no conflicts (2 of 4 stars). 2 submissions from 2 submitters: Pathogenic (1); Likely pathogenic (1). Last evaluated 2025-01-15.

Conditions:
CHM-related disorders.

Submissions (2):

Labcorp Genetics (formerly Invitae), Labcorp
Classification: Pathogenic. Last evaluated: 2025-01-15. Review status: criteria provided, single submitter. Criteria: Invitae Variant Classification Sherloc (09022015). Collection method: clinical testing. Allele origin: germline.
Comment: This sequence change affects a donor splice site in intron 9 of the CHM gene. It is expected to disrupt RNA splicing. Variants that disrupt the donor or acceptor splice site typically lead to a loss of protein function (PMID: 16199547), and loss-of-function variants in CHM are known to be pathogenic (PMID: 9067750, 23811034). This variant is not present in population databases (gnomAD no frequency). Disruption of this splice site has been observed in individuals with choroideremia (PMID: 9067750, 32531858). ClinVar contains an entry for this variant (Variation ID: 2119629). Algorithms developed to predict the effect of sequence changes on RNA splicing suggest that this variant may disrupt the consensus splice site. For these reasons, this variant has been classified as Pathogenic.

Blueprint Genetics
Classification: Likely pathogenic for CHM-related disorders. Last evaluated: 2017-11-02. Review status: criteria provided, single submitter. Criteria: ACMG Guidelines, 2015. Collection method: clinical testing. Allele origin: germline. Affected: yes. Observed: 1 variant allele.

Literature cited by the submitters: PubMed 16199547 (cited by Labcorp Genetics (formerly Invitae), Labcorp); PubMed 9067750 (cited by Labcorp Genetics (formerly Invitae), Labcorp); PubMed 23811034 (cited by Labcorp Genetics (formerly Invitae), Labcorp); PubMed 32531858 (cited by Labcorp Genetics (formerly Invitae), Labcorp).